The following is an entry in ClinVar:

ClinVar aggregate classification (germline): Benign/Likely benign. Review status: criteria provided, multiple submitters, no conflicts (2 of 4 stars). 3 submissions from 3 submitters: Benign (1); Likely benign (2). Last evaluated 2025-11-03.

Conditions:
Hereditary nonpolyposis colorectal neoplasms. Identifiers: MedGen C0009405, MeSH D003123.
Lynch syndrome 5 (LYNCH5). Also called: Colorectal cancer, hereditary nonpolyposis, type 5; Hereditary non-polyposis colorectal cancer, type 5. Identifiers: Orphanet 144, MedGen C1833477, MONDO:0013710, OMIM 614350. Disease mechanism: loss of function.
Hereditary cancer-predisposing syndrome. Also called: Tumor predisposition; Neoplastic Syndromes, Hereditary; Hereditary neoplastic syndrome; Hereditary Cancer Syndrome. Identifiers: Orphanet 140162, MedGen C0027672, MeSH D009386, MONDO:0015356.

Allele frequency attached by ClinVar (database versions not stated): gnomAD exomes below 0.00001.
gnomAD v4.1: 2 of 1,614,208 alleles (0.00012%); highest among the groups gnomAD compares: Non-Finnish European, 0.00017%; no homozygotes.

Submissions (3):

Labcorp Genetics (formerly Invitae), Labcorp
Classification: Likely benign for Hereditary nonpolyposis colorectal neoplasms. Last evaluated: 2025-11-03. Review status: criteria provided, single submitter. Criteria: Invitae Variant Classification Sherloc (09022015). Collection method: clinical testing. Allele origin: germline.

Myriad Genetics, Inc.
Classification: Benign for Lynch syndrome 5. Last evaluated: 2024-12-27. Review status: criteria provided, single submitter. Criteria: Myriad Autosomal Dominant, Autosomal Recessive and X-Linked Classification Criteria (2023). Collection method: clinical testing. Allele origin: unknown.
Comment: This variant is considered benign. This variant is a silent/synonymous amino acid change and it is not expected to impact splicing.

Ambry Genetics
Classification: Likely benign for Hereditary cancer-predisposing syndrome. Last evaluated: 2021-08-24. Review status: criteria provided, single submitter. Criteria: Ambry Variant Classification Scheme 2023. Collection method: clinical testing. Allele origin: germline.

NM_000179.3(MSH6):c.1605C>T (p.Tyr535=)

Gene: MSH6 (mutS homolog 6; plus strand). Cytogenetic location: 2p16.3.
Variant type: single nucleotide variant.
Coding change: c.1605C>T on transcript NM_000179.3 (MANE Select); coding-DNA position 1605, C replaced by T.
Protein change: p.Tyr535=; no amino-acid change (tyrosine 535 retained).
Molecular consequence: synonymous variant.
Genome position (GRCh38, 1-based): chr2:47,799,588, C>T. VCF-style: chr2-47799588-C-T. GRCh37 (hg19) VCF-style: chr2-48026727-C-T.
Other names: c.1215C>T, p.Tyr405= (NM_001281492.2); c.699C>T, p.Tyr233= (NM_001281493.2, NM_001281494.2).
Identifiers: ClinVar variation 1150204 (VCV001150204.12), dbSNP rs2104354873, ClinGen allele CA426121405.